The following is an entry in ClinVar:

NM_000038.6(APC):c.1488_1489del (p.Leu497fs)

Gene: APC (APC regulator of Wnt signaling pathway; plus strand). Cytogenetic location: 5q22.2.
Variant type: Microsatellite.
Coding change: c.1488_1489del on transcript NM_000038.6 (MANE Select); coding-DNA positions 1488 to 1489, 2 bases deleted (AC; older notation c.1488_1489delAC).
Protein change: p.Leu497fs; shifts the reading frame from leucine 497.
Molecular consequence: frameshift variant.
Genome position (GRCh38, 1-based): chr5:112,827,187-112,827,188, AC deleted; deleting any 2 consecutive bases within chr5:112,827,185-112,827,188 gives the same sequence; the c. name uses the placement nearest the transcript's 3' end. VCF-style (leftmost placement, unchanged base first): chr5-112827184-TAC-T. GRCh37 (hg19) VCF-style: chr5-112162881-TAC-T.
Other names: c.1488_1489del, p.Leu497fs (NM_001127510.3, NM_001354895.2); c.1434_1435del, p.Leu479fs (NM_001127511.3); c.1542_1543del, p.Leu515fs (NM_001354896.2); c.1518_1519del, p.Leu507fs (NM_001354897.2); c.1413_1414del, p.Leu472fs (NM_001354898.2); c.1404_1405del, p.Leu469fs (NM_001354899.2); c.1365_1366del, p.Leu456fs (NM_001354900.2); c.1311_1312del, p.Leu438fs (NM_001354901.2); and 5 more; short protein forms L214fs, L337fs, L371fs, L396fs, L406fs, L438fs, L456fs, L469fs.
Identifiers: ClinVar variation 1075938 (VCV001075938.11), dbSNP rs2149809585, ClinGen allele CA658760466.

ClinVar aggregate classification (germline): Pathogenic. Review status: criteria provided, multiple submitters, no conflicts (2 of 4 stars). 2 submissions from 2 submitters: Pathogenic (2). Last evaluated 2023-05-01.

Conditions:
Familial adenomatous polyposis 1 (FAP1). Also called: FAMILIAL ADENOMATOUS POLYPOSIS 1, ATTENUATED; POLYPOSIS, ADENOMATOUS INTESTINAL. Identifiers: MedGen C2713442, MONDO:0021056, OMIM 175100. Disease mechanism: loss of function.

Submissions (2):

Myriad Genetics, Inc.
Classification: Pathogenic for Familial adenomatous polyposis 1. Last evaluated: 2023-05-01. Review status: criteria provided, single submitter. Criteria: Myriad Autosomal Dominant, Autosomal Recessive and X-Linked Classification Criteria (2023). Collection method: clinical testing. Allele origin: unknown.
Comment: This variant is considered pathogenic. This variant creates a frameshift predicted to result in premature protein truncation.

Labcorp Genetics (formerly Invitae), Labcorp
Classification: Pathogenic for Familial adenomatous polyposis 1. Last evaluated: 2020-09-24. Review status: criteria provided, single submitter. Criteria: Invitae Variant Classification Sherloc (09022015). Collection method: clinical testing. Allele origin: germline.
Comment: This variant is not present in population databases (ExAC no frequency). This sequence change creates a premature translational stop signal (p.Leu497Lysfs*39) in the APC gene. It is expected to result in an absent or disrupted protein product. This variant has been observed in individuals with familial adenomatous polyposis (FAP) (PMID: 8990002, 20685668). For these reasons, this variant has been classified as Pathogenic. Loss-of-function variants in APC are known to be pathogenic (PMID: 17963004, 20685668).

Literature cited by the submitters: PubMed 8990002 (cited by Labcorp Genetics (formerly Invitae), Labcorp); PubMed 20685668 (cited by Labcorp Genetics (formerly Invitae), Labcorp); PubMed 17963004 (cited by Labcorp Genetics (formerly Invitae), Labcorp).